The following is an entry in ClinVar:

NM_014844.5(TECPR2):c.1156G>A (p.Ala386Thr)

Gene: TECPR2 (tectonin beta-propeller repeat containing 2; plus strand). Cytogenetic location: 14q32.31.
Variant type: single nucleotide variant.
Coding change: c.1156G>A on transcript NM_014844.5 (MANE Select); coding-DNA position 1156, G replaced by A.
Protein change: p.Ala386Thr; replaces alanine 386 with threonine.
Molecular consequence: missense variant.
Genome position (GRCh38, 1-based): chr14:102,431,867, G>A. VCF-style: chr14-102431867-G-A. GRCh37 (hg19) VCF-style: chr14-102898204-G-A.
Other names: p.Ala386Thr; c.1156G>A (NM_014844.4); c.1156G>A, p.Ala386Thr (NM_001172631.3); short protein forms A386T.
Identifiers: ClinVar variation 415302 (VCV000415302.18), dbSNP rs11845676, ClinGen allele CA7357656.

ClinVar aggregate classification (germline): Benign. Review status: criteria provided, multiple submitters, no conflicts (2 of 4 stars). 6 submissions from 6 submitters: Benign (5). 1 of the submissions does not count toward it. Last evaluated 2026-02-04.

Conditions:
Hereditary spastic paraplegia 49 (HSAN9). Also called: TECPR2-Related Hereditary Sensory and Autonomic Neuropathy with Intellectual Disability; Spastic paraplegia 49, autosomal recessive; NEUROPATHY, HEREDITARY SENSORY AND AUTONOMIC, TYPE IX, WITH DEVELOPMENTAL DELAY. Identifiers: Orphanet 320385, MedGen C5190860, MONDO:0014016, OMIM 615031.
Hereditary spastic paraplegia. Also called: Familial spastic paraparesis. Identifiers: Orphanet 685, MedGen C0037773, MONDO:0019064. Disease mechanism: loss of function.

Allele frequency attached by ClinVar (database versions not stated): ExAC 0.01581; 1000 Genomes Project 0.03754; gnomAD 0.03855 and 0.04113; 1000 Genomes Project 30x 0.04044; TOPMed 0.04166; ESP Exome Variant Server 0.04636.
gnomAD v4.1: 18,937 of 1,603,288 alleles (1.2%); highest among the groups gnomAD compares: African/African-American, 12%; 613 homozygotes.

Submissions (6):

Labcorp Genetics (formerly Invitae), Labcorp
Classification: Benign for Hereditary spastic paraplegia 49. Last evaluated: 2026-02-04. Review status: criteria provided, single submitter. Criteria: Invitae Variant Classification Sherloc (09022015). Collection method: clinical testing. Allele origin: germline.

Genome Diagnostics Laboratory, The Hospital for Sick Children
Classification: Benign for Hereditary spastic paraplegia. Last evaluated: 2021-12-10. Review status: criteria provided, single submitter. Criteria: ACMG Guidelines, 2015. Collection method: clinical testing. Allele origin: germline. Affected: yes.

Mayo Clinic Laboratories, Mayo Clinic
Classification: Benign. Last evaluated: 2018-05-24. Review status: criteria provided, single submitter. Criteria: ACMG Guidelines, 2015. Collection method: clinical testing. Allele origin: germline. Observed: 22 variant alleles.

GeneDx
Classification: Benign. Last evaluated: 2017-04-20. Review status: criteria provided, single submitter. Criteria: GeneDx Variant Classification (06012015). Collection method: clinical testing. Allele origin: germline. Affected: yes.
Comment: This variant is considered likely benign or benign based on one or more of the following criteria: it is a conservative change, it occurs at a poorly conserved position in the protein, it is predicted to be benign by multiple in silico algorithms, and/or has population frequency not consistent with disease.

Breakthrough Genomics
Classification: Benign. Review status: criteria provided, single submitter. Criteria: ACMG Guidelines, 2015. Collection method: not provided. Allele origin: germline. Inheritance: Autosomal recessive inheritance. Affected: yes.

Natera, Inc.
Classification: Benign for Autosomal recessive spastic paraplegia type 49. Last evaluated: 2020-09-16. Review status: no assertion criteria provided. Collection method: clinical testing. Allele origin: germline. Not counted in ClinVar's aggregate classification.